The following is an entry in ClinVar:

ClinVar aggregate classification (germline): Pathogenic. Review status: criteria provided, multiple submitters, no conflicts (2 of 4 stars). 4 submissions from 4 submitters: Pathogenic (3). 1 of the submissions does not count toward it. Last evaluated 2023-10-27.

Conditions:
Curry-Hall syndrome (WAD). Also called: WEYERS ACRODENTAL DYSOSTOSIS. Identifiers: Orphanet 952, MedGen C0457013, MONDO:0008673, OMIM 193530.
Ellis-van Creveld syndrome (EVC). Also called: EVC2-Related Ellis-van Creveld Syndrome; EVC-Related Ellis-van Creveld Syndrome; MESOECTODERMAL DYSPLASIA; Chondroectodermal dysplasia. Identifiers: Orphanet 289, MedGen C0013903, MONDO:0009162, OMIM 225500.
EVC2-related disorder. Also called: EVC2-related condition.

Allele frequency attached by ClinVar (database versions not stated): gnomAD below 0.00001 and 0.00001; gnomAD exomes 0.00001; ExAC 0.00002.
gnomAD v4.1: 13 of 1,614,048 alleles (0.00081%); highest among the groups gnomAD compares: South Asian, 0.013%; no homozygotes.

Submissions (4):

Labcorp Genetics (formerly Invitae), Labcorp
Classification: Pathogenic for Curry-Hall syndrome; Ellis-van Creveld syndrome. Last evaluated: 2023-10-27. Review status: criteria provided, single submitter. Criteria: Invitae Variant Classification Sherloc (09022015). Collection method: clinical testing. Allele origin: germline.
Comment: This sequence change creates a premature translational stop signal (p.Trp314*) in the EVC2 gene. It is expected to result in an absent or disrupted protein product. Loss-of-function variants in EVC2 are known to be pathogenic (PMID: 17024374, 19810119, 19876929). This variant is present in population databases (rs763363403, gnomAD 0.006%). This premature translational stop signal has been observed in individual(s) with Ellis-van Creveld syndrome (PMID: 26580685). It has also been observed to segregate with disease in related individuals. This variant is also known as p.Trp234*. ClinVar contains an entry for this variant (Variation ID: 550977). For these reasons, this variant has been classified as Pathogenic.

PreventionGenetics, part of Exact Sciences
Classification: Pathogenic for EVC2-related condition. Last evaluated: 2022-12-15. Review status: criteria provided, single submitter. Criteria: ACMG Guidelines, 2015. Collection method: clinical testing. Allele origin: germline.
Comment: The EVC2 c.942G>A variant is predicted to result in premature protein termination (p.Trp314*). This variant has been reported in the homozygous state in at least two individuals with Ellis-van Creveld syndrome (Aziz et al 2016. PubMed ID: 26580685; Eftekhariyazdi et al 2020. PubMed ID: 32072716). This variant is reported in 0.0065% of alleles in individuals of South Asian descent in gnomAD. Nonsense variants in EVC2 are expected to be pathogenic. This variant is interpreted as pathogenic.

Neuberg Centre For Genomic Medicine, NCGM
Classification: Pathogenic for Ellis-van Creveld syndrome. Review status: criteria provided, single submitter. Criteria: ACMG Guidelines, 2015. Collection method: clinical testing. Allele origin: germline. Inheritance: Autosomal recessive inheritance. Affected: yes.
Comment: The stop gained variant has been reported previously in homozygous state in a family affected with Ellis-van Creveld syndrome (Aziz A. et al., 2016). The p.Trp314Ter variant is reported with the allele frequency (0.0008%) in the gnomAD and novel in 1000 genome database. It has been submitted to ClinVar with varying interpretations: Pathogenic/ Likely Pathogenic. This variant is predicted to cause loss of normal protein function through protein truncation. Loss of function variants have been previously reported to be disease causing. For these reasons, this variant has been classified as Pathogenic.

Counsyl
Classification: Likely pathogenic for Ellis-van Creveld syndrome. Last evaluated: 2017-03-06. Review status: no assertion criteria provided. Collection method: clinical testing. Allele origin: unknown. Not counted in ClinVar's aggregate classification.

Literature cited by the submitters: PubMed 17024374 (cited by Labcorp Genetics (formerly Invitae), Labcorp); PubMed 19810119 (cited by Labcorp Genetics (formerly Invitae), Labcorp); PubMed 19876929 (cited by Labcorp Genetics (formerly Invitae), Labcorp); PubMed 26580685 (cited by Labcorp Genetics (formerly Invitae), Labcorp and Counsyl).

NM_147127.5(EVC2):c.942G>A (p.Trp314Ter)

Gene: EVC2 (EvC ciliary complex subunit 2; minus strand). Cytogenetic location: 4p16.2.
Variant type: single nucleotide variant.
Coding change: c.942G>A on transcript NM_147127.5 (MANE Select); coding-DNA position 942, G replaced by A.
Protein change: p.Trp314Ter; replaces tryptophan 314 with a stop codon.
Molecular consequence: nonsense.
Genome position (GRCh38, 1-based): chr4:5,665,578, C>T on the plus strand (G>A on the coding strand, the complement: EVC2 is on the minus strand). VCF-style: chr4-5665578-C-T. GRCh37 (hg19) VCF-style: chr4-5667305-C-T.
Other names: c.702G>A, p.Trp234Ter (NM_001166136.2); short protein forms W314*, W234*.
Identifiers: ClinVar variation 550977 (VCV000550977.13), dbSNP rs763363403, ClinGen allele CA2835213.